The following is an entry in ClinVar:

NM_014476.6(PDLIM3):c.568T>C (p.Phe190Leu)

Gene: PDLIM3 (PDZ and LIM domain 3; minus strand). Cytogenetic location: 4q35.1.
Variant type: single nucleotide variant.
Coding change: c.568T>C on transcript NM_014476.6 (MANE Select); coding-DNA position 568, T replaced by C.
Protein change: p.Phe190Leu; replaces phenylalanine 190 with leucine.
Molecular consequence: missense variant. On other transcripts: intron variant (3).
Genome position (GRCh38, 1-based): chr4:185,508,393, A>G on the plus strand (T>C on the coding strand, the complement: PDLIM3 is on the minus strand). VCF-style: chr4-185508393-A-G. GRCh37 (hg19) VCF-style: chr4-186429547-A-G.
Other names: c.162-1741T>C (NM_001257963.2); c.399-1741T>C (NM_001257962.2); c.519-1741T>C (NM_001114107.5); short protein forms F190L.
Identifiers: ClinVar variation 3226317 (VCV003226317.1), dbSNP rs763670084, ClinGen allele CA3159756.
Genomic context (GRCh38, chr4:185,508,393, plus strand): 5'-CCTGACCCTGGAGTGTTTCCATAATATTGTCATCTGAGTACAACTGCATAGGTGTATTAA[A>G]CTGAGCATGTACAATCTTCACACCAGGAAGTTCCATTTCCAAAGGAATGTTAGGGGCCAG-3'
Protein context (NP_055291.2, residues 180-200): LPGVKIVHAQ[Phe190Leu]NTPMQLYSDD

ClinVar aggregate classification (germline): Uncertain significance (1 of 4 stars; one submission).

Allele frequency attached by ClinVar (database versions not stated): ExAC 0.00001; gnomAD exomes 0.00001; TOPMed 0.00001.
gnomAD v4.1: 16 of 1,614,128 alleles (0.00099%); highest among the groups gnomAD compares: African/African-American, 0.0013%; no homozygotes.

Submission:

Ambry Genetics
Classification: Uncertain significance. Last evaluated: 2023-12-07. Review status: criteria provided, single submitter. Criteria: Ambry Variant Classification Scheme 2023. Collection method: clinical testing. Allele origin: germline.
Comment: The p.F190L variant (also known as c.568T>C), located in coding exon 5 of the PDLIM3 gene, results from a T to C substitution at nucleotide position 568. The phenylalanine at codon 190 is replaced by leucine, an amino acid with highly similar properties. This amino acid position is conserved. In addition, the in silico prediction for this alteration is inconclusive. Since supporting evidence is limited at this time, the clinical significance of this alteration remains unclear.